The following is an entry in ClinVar:

ClinVar aggregate classification (germline): Conflicting classifications of pathogenicity. Review status: criteria provided, conflicting classifications (1 of 4 stars). 2 submissions from 2 submitters: Uncertain significance (1); Benign (1). Last evaluated 2026-05-12.

Conditions:
Familial thoracic aortic aneurysm and aortic dissection (TAAD). Also called: Thoracic aortic aneurysms and dissections. Identifiers: Orphanet 91387, MedGen C4707243, MONDO:0019625.
Melnick-Needles syndrome (MNS). Also called: OSTEODYSPLASTY OF MELNICK AND NEEDLES; Melnick-Needles Syndrome (FLNA-MNS); MELNICK-NEEDLES OSTEODYSPLASTY. Identifiers: Orphanet 2484, MedGen C0025237, MONDO:0010650, OMIM 309350.
Frontometaphyseal dysplasia (FMD1). Identifiers: Orphanet 1826, MedGen C0265293, MONDO:0015942.
Oto-palato-digital syndrome, type II (OPD2). Also called: OPD II SYNDROME; Otopalatodigital Syndrome, Type II; Otopalatodigital Syndrome Type 2 (FLNA-OPD2); FACIOPALATOOSSEOUS SYNDROME. Identifiers: Orphanet 669, Orphanet 90652, MedGen C1844696, MONDO:0010571, OMIM 304120.
Heterotopia, periventricular, X-linked dominant (PVNH1). Also called: PERIVENTRICULAR NODULAR HETEROTOPIA 1; X-linked periventricular heterotopia; PERIVENTRICULAR NODULAR HETEROTOPIA 4; HETEROTOPIA, PERIVENTRICULAR, 1. Identifiers: Orphanet 2149, Orphanet 82004, MedGen C1848213, MONDO:0010233, OMIM 300049.

Allele frequency attached by ClinVar (database versions not stated): ExAC 0.00001; gnomAD 0.00001; gnomAD exomes 0.00001; TOPMed 0.00002.
gnomAD v4.1: 5 of 1,210,054 alleles (0.00041%); highest among the groups gnomAD compares: African/African-American, 0.0017%; no homozygotes.

Submissions (2):

Ambry Genetics
Classification: Uncertain significance for Familial thoracic aortic aneurysm and aortic dissection. Last evaluated: 2026-05-12. Review status: criteria provided, single submitter. Criteria: Ambry Variant Classification Scheme 2023. Collection method: clinical testing. Allele origin: germline.
Comment: The p.A1481T variant (also known as c.4441G>A), located in coding exon 25 of the FLNA gene, results from a G to A substitution at nucleotide position 4441. The alanine at codon 1481 is replaced by threonine, an amino acid with similar properties. This amino acid position is highly conserved in available vertebrate species. In addition, this alteration is predicted to be deleterious by in silico analysis. Based on data from gnomAD, the A allele has an overall frequency of <0.01% (1/181576) total alleles studied, with 1 hemizygote(s) observed. The highest observed frequency was <0.01% (1/12389) of African alleles. Based on the available evidence, the clinical significance of this variant remains unclear.

Labcorp Genetics (formerly Invitae), Labcorp
Classification: Benign for Oto-palato-digital syndrome, type II; Heterotopia, periventricular, X-linked dominant; Frontometaphyseal dysplasia; Melnick-Needles syndrome. Last evaluated: 2025-10-14. Review status: criteria provided, single submitter. Criteria: Invitae Variant Classification Sherloc (09022015). Collection method: clinical testing. Allele origin: germline.

NM_001110556.2(FLNA):c.4441G>A (p.Ala1481Thr)

Gene: FLNA (filamin A; minus strand). Cytogenetic location: Xq28.
Variant type: single nucleotide variant.
Coding change: c.4441G>A on transcript NM_001110556.2 (MANE Select); coding-DNA position 4441, G replaced by A.
Protein change: p.Ala1481Thr; replaces alanine 1481 with threonine.
Molecular consequence: missense variant.
Genome position (GRCh38, 1-based): chrX:154,359,017, C>T on the plus strand (G>A on the coding strand, the complement: FLNA is on the minus strand). VCF-style: chrX-154359017-C-T. GRCh37 (hg19) VCF-style: chrX-153587385-C-T.
Other names: c.4441G>A (NM_001456.3); c.4441G>A, p.Ala1481Thr (NM_001456.4); short protein forms A1481T.
Identifiers: ClinVar variation 2038864 (VCV002038864.5), dbSNP rs782170730, ClinGen allele CA10560532.